The following is an entry in ClinVar:

NM_014915.3(ANKRD26):c.380A>C (p.Lys127Thr)

Gene: ANKRD26 (ankyrin repeat domain 26; minus strand). Cytogenetic location: 10p12.1.
Variant type: single nucleotide variant.
Coding change: c.380A>C on transcript NM_014915.3 (MANE Select); coding-DNA position 380, A replaced by C.
Protein change: p.Lys127Thr; replaces lysine 127 with threonine.
Molecular consequence: missense variant.
Genome position (GRCh38, 1-based): chr10:27,093,500, T>G on the plus strand (A>C on the coding strand, the complement: ANKRD26 is on the minus strand). VCF-style: chr10-27093500-T-G. GRCh37 (hg19) VCF-style: chr10-27382429-T-G.
Other names: c.380A>C, p.Lys127Thr (NM_001256053.2); short protein forms K127T.
Identifiers: ClinVar variation 5023474 (VCV005023474.1).

ClinVar aggregate classification (germline): Uncertain significance (1 of 4 stars; one submission).

Conditions:
Inborn genetic diseases. Identifiers: MedGen C0950123, MeSH D030342.

Submission:

Ambry Genetics
Classification: Uncertain significance for Inborn genetic diseases. Last evaluated: 2026-08-08. Review status: criteria provided, single submitter. Criteria: Ambry Variant Classification Scheme 2023. Collection method: clinical testing. Allele origin: germline.
Comment: The p.K127T variant (also known as c.380A>C), located in coding exon 3 of the ANKRD26 gene, results from an A to C substitution at nucleotide position 380. The lysine at codon 127 is replaced by threonine, an amino acid with similar properties. This amino acid position is conserved. In addition, this alteration is predicted to be tolerated by in silico analysis. Based on the available evidence, the clinical significance of this variant remains unclear.